The following is an entry in ClinVar:

ClinVar aggregate classification (germline): Uncertain significance (1 of 4 stars; one submission).

Allele frequency attached by ClinVar (database versions not stated): gnomAD 0.00001; TOPMed 0.00001.
gnomAD v4.1: 26 of 1,613,208 alleles (0.0016%); highest among the groups gnomAD compares: Non-Finnish European, 0.0022%; no homozygotes.

Submission:

Labcorp Genetics (formerly Invitae), Labcorp
Classification: Uncertain significance. Last evaluated: 2023-02-16. Review status: criteria provided, single submitter. Criteria: Invitae Variant Classification Sherloc (09022015). Collection method: clinical testing. Allele origin: germline.
Comment: In summary, the available evidence is currently insufficient to determine the role of this variant in disease. Therefore, it has been classified as a Variant of Uncertain Significance. This sequence change replaces isoleucine, which is neutral and non-polar, with methionine, which is neutral and non-polar, at codon 95 of the SLC44A4 protein (p.Ile95Met). This variant is present in population databases (no rsID available, gnomAD 0.002%). This variant has not been reported in the literature in individuals affected with SLC44A4-related conditions. An algorithm developed to predict the effect of missense changes on protein structure and function (PolyPhen-2) suggests that this variant is likely to be tolerated.

NM_025257.3(SLC44A4):c.285C>G (p.Ile95Met)

Gene: SLC44A4 (solute carrier family 44 member 4; minus strand). Cytogenetic location: 6p21.33.
Variant type: single nucleotide variant.
Coding change: c.285C>G on transcript NM_025257.3 (MANE Select); coding-DNA position 285, C replaced by G.
Protein change: p.Ile95Met; replaces isoleucine 95 with methionine.
Molecular consequence: missense variant.
Genome position (GRCh38, 1-based): chr6:31,874,986, G>C on the plus strand (C>G on the coding strand, the complement: SLC44A4 is on the minus strand). VCF-style: chr6-31874986-G-C. GRCh37 (hg19) VCF-style: chr6-31842763-G-C.
Other names: c.285C>G, p.Ile95Met (NM_001178044.2, NM_032794.1); c.57C>G, p.Ile19Met (NM_001178045.2); short protein forms I19M, I95M.
Identifiers: ClinVar variation 2904525 (VCV002904525.3), dbSNP rs1214019190, ClinGen allele CA363381471.